The following is an entry in ClinVar:

NM_015404.4(WHRN):c.2677C>G (p.Arg893Gly)

Gene: WHRN (whirlin; minus strand). Cytogenetic location: 9q32.
Variant type: single nucleotide variant.
Coding change: c.2677C>G on transcript NM_015404.4 (MANE Select); coding-DNA position 2677, C replaced by G.
Protein change: p.Arg893Gly; replaces arginine 893 with glycine.
Molecular consequence: missense variant.
Genome position (GRCh38, 1-based): chr9:114,402,801, G>C on the plus strand (C>G on the coding strand, the complement: WHRN is on the minus strand). VCF-style: chr9-114402801-G-C. GRCh37 (hg19) VCF-style: chr9-117165081-G-C.
Other names: c.1528C>G, p.Arg510Gly (NM_001083885.3); c.2674C>G, p.Arg892Gly (NM_001173425.2); c.1624C>G, p.Arg542Gly (NM_001346890.1); short protein forms R510G, R892G, R893G, R542G.
Identifiers: ClinVar variation 2094025 (VCV002094025.3), dbSNP rs138323921, ClinGen allele CA5205557.

ClinVar aggregate classification (germline): Uncertain significance (1 of 4 stars; one submission).

Allele frequency attached by ClinVar (database versions not stated): gnomAD 0.00001; ESP Exome Variant Server 0.00008.
gnomAD v4.1: 8 of 1,613,954 alleles (0.0005%); highest among the groups gnomAD compares: Admixed American, 0.0017%; no homozygotes.

Submission:

Labcorp Genetics (formerly Invitae), Labcorp
Classification: Uncertain significance. Last evaluated: 2024-02-24. Review status: criteria provided, single submitter. Criteria: Invitae Variant Classification Sherloc (09022015). Collection method: clinical testing. Allele origin: germline.
Comment: This sequence change replaces arginine, which is basic and polar, with glycine, which is neutral and non-polar, at codon 893 of the WHRN protein (p.Arg893Gly). This variant is present in population databases (rs138323921, gnomAD 0.006%). This variant has not been reported in the literature in individuals affected with WHRN-related conditions. ClinVar contains an entry for this variant (Variation ID: 2094025). An algorithm developed to predict the effect of missense changes on protein structure and function (PolyPhen-2) suggests that this variant¬†is likely to be tolerated. Algorithms developed to predict the effect of sequence changes on RNA splicing suggest that this variant may create or strengthen a splice site. In summary, the available evidence is currently insufficient to determine the role of this variant in disease. Therefore, it has been classified as a Variant of Uncertain Significance.